The following is an entry in ClinVar:

NM_000548.5(TSC2):c.1152_1162del (p.His385fs)

Gene: TSC2 (TSC complex subunit 2; plus strand). Cytogenetic location: 16p13.3.
Variant type: Deletion.
Coding change: c.1152_1162del on transcript NM_000548.5 (MANE Select); coding-DNA positions 1152 to 1162, 11 bases deleted (CCATGACCTGT).
Protein change: p.His385fs; shifts the reading frame from histidine 385.
Molecular consequence: frameshift variant. On other transcripts: 5 prime UTR variant (10), non-coding transcript variant (5).
Genome position (GRCh38, 1-based): chr16:2,061,903-2,061,913, CCATGACCTGT deleted; deleting any 11 consecutive bases within chr16:2,061,901-2,061,913 gives the same sequence; the c. name uses the placement nearest the transcript's 3' end. VCF-style (leftmost placement, unchanged base first): chr16-2061900-CGTCCATGACCT-C. GRCh37 (hg19) VCF-style: chr16-2111901-CGTCCATGACCT-C.
Other names: p.His385Aspfs*8; c.1152_1162del, p.His385fs (NM_001077183.3, NM_001114382.3, NM_001363528.2 and 6 more transcripts); c.1041_1051del, p.His348fs (NM_001318827.2, NM_001406670.1, NM_001406678.1); c.1005_1015del, p.His336fs (NM_001318829.2, NM_001406675.1, NM_001406676.1 and 1 more transcripts); c.552_562del, p.His185fs (NM_001318831.2, NM_001406680.1, NM_001406682.1 and 6 more transcripts); c.1185_1195del, p.His396fs (NM_001318832.2); c.1242_1252del, p.His415fs (NM_001406667.1, NM_001406668.1); c.1140_1150del, p.His381fs (NM_001406671.1, NM_001406673.1); and 5 more; short protein forms H185fs, H231fs, H336fs, H348fs, H366fs, H381fs, H385fs, H396fs.
Identifiers: ClinVar variation 2682988 (VCV002682988.1), dbSNP rs2548536987, ClinGen allele CA2573335152.

ClinVar aggregate classification (germline): Likely pathogenic (1 of 4 stars; one submission).

Submission:

Mayo Clinic Laboratories, Mayo Clinic
Classification: Likely pathogenic. Last evaluated: 2023-01-25. Review status: criteria provided, single submitter. Criteria: ACMG Guidelines, 2015. Collection method: clinical testing. Allele origin: germline. Observed: 1 variant allele.
Comment: PM2, PVS1